The following is an entry in ClinVar:

NM_001267550.2(TTN):c.68612A>C (p.His22871Pro)

Genes: TTN (titin; minus strand), TTN-AS1 (TTN antisense RNA 1; plus strand). Cytogenetic location: 2q31.2.
Variant type: single nucleotide variant.
Coding change: c.68612A>C on transcript NM_001267550.2 (MANE Select); coding-DNA position 68612, A replaced by C.
Protein change: p.His22871Pro; replaces histidine 22871 with proline.
Molecular consequence: missense variant.
Genome position (GRCh38, 1-based): chr2:178,577,814, T>G on the plus strand (A>C on the coding strand, the complement: TTN is on the minus strand). VCF-style: chr2-178577814-T-G. GRCh37 (hg19) VCF-style: chr2-179442541-T-G.
Other names: c.60908A>C, p.His20303Pro (NM_133378.4); c.63689A>C, p.His21230Pro (NM_001256850.1); c.41417A>C, p.His13806Pro (NM_003319.4); c.41792A>C, p.His13931Pro (NM_133432.3); c.41993A>C, p.His13998Pro (NM_133437.4); short protein forms H20303P, H22871P, H13806P, H13931P, H13998P, H21230P.
Identifiers: ClinVar variation 229501 (VCV000229501.5), dbSNP rs761622490, ClinGen allele CA10576491.
Genomic context (GRCh38, chr2:178,577,814, plus strand): 5'-GCTTTCATCCAAGACTTCGAAGGTAGATCTCGCTTCTCCACTATATATCCAGTTAACTTA[T>G]GACCACCGTCATATTTAGGTTCAGTCCAAATGAGAGTCACTGAATTCCTTGTTATGTTAA-3'
Protein context (NP_001254479.2, residues 22861-22881): IWTEPKYDGG[His22871Pro]KLTGYIVEKR

ClinVar aggregate classification (germline): Uncertain significance (1 of 4 stars; one submission).

Submission:

Laboratory for Molecular Medicine, Mass General Brigham Personalized Medicine
Classification: Uncertain significance. Last evaluated: 2016-02-16. Review status: criteria provided, single submitter. Criteria: LMM Criteria. Collection method: clinical testing. Allele origin: germline. Observed: 1 variant allele.
Comment: The p.His20303Pro variant in TTN has not been previously reported in individuals with cardiomyopathy and was absent from large population studies. Computational prediction tools and conservation analysis do not provide strong support for or against an impact to the protein. In summary, the clinical significance of the p.His20303Pro variant is uncertain.